The following is an entry in ClinVar:

NM_153240.5(NPHP3):c.3356C>A (p.Ser1119Tyr)

Genes: NPHP3 (nephrocystin 3; minus strand), NPHP3-ACAD11 (NPHP3-ACAD11 readthrough (NMD candidate); minus strand). Cytogenetic location: 3q22.1.
Variant type: single nucleotide variant.
Coding change: c.3356C>A on transcript NM_153240.5 (MANE Select); coding-DNA position 3356, C replaced by A.
Protein change: p.Ser1119Tyr; replaces serine 1119 with tyrosine.
Molecular consequence: missense variant. On other transcripts: non-coding transcript variant (1).
Genome position (GRCh38, 1-based): chr3:132,684,768, G>T on the plus strand (C>A on the coding strand, the complement: NPHP3 is on the minus strand). VCF-style: chr3-132684768-G-T. GRCh37 (hg19) VCF-style: chr3-132403612-G-T.
Other names: c.3356C>A (NM_153240.4); short protein forms S1119Y.
Identifiers: ClinVar variation 4713668 (VCV004713668.2).

ClinVar aggregate classification (germline): Uncertain significance. Review status: criteria provided, multiple submitters, no conflicts (2 of 4 stars). 2 submissions from 2 submitters: Uncertain significance (2). Last evaluated 2025-11-19.

Conditions:
Nephronophthisis. Also called: Juvenile Nephronophthisis. Identifiers: Orphanet 655, MedGen C0687120, MONDO:0019005, HP:0000090.
NPHP3-related disorder. Also called: NPHP3-related disorders; NPHP3-related condition. Identifiers: MedGen CN379163.

gnomAD v4.1: 1 of 1,613,626 alleles (0.000062%); highest among the groups gnomAD compares: African/African-American, 0.0013%; no homozygotes.

Submissions (2):

PreventionGenetics, part of Exact Sciences
Classification: Uncertain significance for NPHP3-related condition. Last evaluated: 2025-11-19. Review status: criteria provided, single submitter. Criteria: ACMG Guidelines, 2015. Collection method: clinical testing. Allele origin: germline.
Comment: The NPHP3 c.3356C>A variant is predicted to result in the amino acid substitution p.Ser1119Tyr. To our knowledge, this variant has not been reported in the literature or in a large population database (gnomAD), indicating this variant is rare. At this time, the clinical significance of this variant is uncertain due to the absence of conclusive functional and genetic evidence.

Labcorp Genetics (formerly Invitae), Labcorp
Classification: Uncertain significance for Nephronophthisis. Last evaluated: 2025-11-12. Review status: criteria provided, single submitter. Criteria: Invitae Variant Classification Sherloc (09022015). Collection method: clinical testing. Allele origin: germline.
Comment: This sequence change replaces serine, which is neutral and polar, with tyrosine, which is neutral and polar, at codon 1119 of the NPHP3 protein (p.Ser1119Tyr). This variant is not present in population databases (gnomAD no frequency). This variant has not been reported in the literature in individuals affected with NPHP3-related conditions. Invitae Evidence Modeling of protein sequence and biophysical properties (such as structural, functional, and spatial information, amino acid conservation, physicochemical variation, residue mobility, and thermodynamic stability) indicates that this missense variant is expected to disrupt NPHP3 protein function with a positive predictive value of 80%. In summary, the available evidence is currently insufficient to determine the role of this variant in disease. Therefore, it has been classified as a Variant of Uncertain Significance.